The following is an entry in ClinVar:

NM_001130987.2(DYSF):c.4355C>T (p.Ser1452Leu)

Gene: DYSF (dysferlin; plus strand). Cytogenetic location: 2p13.2.
Variant type: single nucleotide variant.
Coding change: c.4355C>T on transcript NM_001130987.2 (MANE Select); coding-DNA position 4355, C replaced by T.
Protein change: p.Ser1452Leu; replaces serine 1452 with leucine.
Molecular consequence: missense variant.
Genome position (GRCh38, 1-based): chr2:71,612,774, C>T. VCF-style: chr2-71612774-C-T. GRCh37 (hg19) VCF-style: chr2-71839904-C-T.
Other names: c.4304C>T, p.Ser1435Leu (NM_001130455.2, NM_001130983.2); c.4259C>T, p.Ser1420Leu (NM_001130976.2, NM_001130977.2); c.4301C>T, p.Ser1434Leu (NM_001130978.2, NM_003494.4); c.4394C>T, p.Ser1465Leu (NM_001130979.2); c.4352C>T, p.Ser1451Leu (NM_001130980.2, NM_001130981.2); c.4397C>T, p.Ser1466Leu (NM_001130982.2); c.4262C>T, p.Ser1421Leu (NM_001130984.2, NM_001130986.2); c.4355C>T, p.Ser1452Leu (NM_001130985.2); short protein forms S1434L, S1452L, S1420L, S1421L, S1435L, S1451L, S1465L, S1466L.
Identifiers: ClinVar variation 283624 (VCV000283624.25), dbSNP rs139411595, ClinGen allele CA1706972.

ClinVar aggregate classification (germline): Conflicting classifications of pathogenicity. Review status: criteria provided, conflicting classifications (1 of 4 stars). 8 submissions from 8 submitters: Uncertain significance (5); Likely benign (1). 2 of the submissions do not count toward it. Last evaluated 2026-01-16.

Conditions:
DYSF-related disorder. Also called: DYSF-related condition; DYSF-related disorders.
Neuromuscular disease caused by qualitative or quantitative defects of dysferlin. Also called: Dysferlinopathy; Qualitative or quantitative defects of dysferlin. Identifiers: Orphanet 207073, MedGen C2931687, MONDO:0016145.
Inborn genetic diseases. Identifiers: MedGen C0950123, MeSH D030342.
Autosomal recessive limb-girdle muscular dystrophy. Identifiers: Orphanet 102015, MedGen C2931907, MONDO:0015152.
Autosomal recessive limb-girdle muscular dystrophy type 2B (LGMDR2). Also called: Limb-Girdle Muscular Dystrophy Type 2B (LGMD2B); Limb-girdle muscular dystrophy, type 2B; MUSCULAR DYSTROPHY, LIMB-GIRDLE, TYPE 3; MUSCULAR DYSTROPHY, LIMB-GIRDLE, AUTOSOMAL RECESSIVE 2. Identifiers: Orphanet 268, MedGen C1850889, MONDO:0009676, OMIM 253601.

Allele frequency attached by ClinVar (database versions not stated): gnomAD exomes 0.00006 and 0.00012; ExAC 0.00014; gnomAD 0.00040 and 0.00043; TOPMed 0.00044; ESP Exome Variant Server 0.00046.
gnomAD v4.1: 141 of 1,613,842 alleles (0.0087%); highest among the groups gnomAD compares: African/African-American, 0.16%; no homozygotes.

Submissions (8):

Labcorp Genetics (formerly Invitae), Labcorp
Classification: Likely benign for Neuromuscular disease caused by qualitative or quantitative defects of dysferlin. Last evaluated: 2026-01-16. Review status: criteria provided, single submitter. Criteria: Invitae Variant Classification Sherloc (09022015). Collection method: clinical testing. Allele origin: germline.

Myriad Genetics, Inc.
Classification: Uncertain significance for Autosomal recessive limb-girdle muscular dystrophy. Last evaluated: 2025-08-27. Review status: criteria provided, single submitter. Criteria: Myriad Autosomal Dominant, Autosomal Recessive and X-Linked Classification Criteria (2023). Collection method: clinical testing. Allele origin: unknown.
Comment: NM_003494.3(DYSF):c.4301C>T(S1434L) is a missense variant classified as a variant of uncertain significance in the context of dysferlinopathy. S1434L has been observed in a case with relevant disease (PMID: 39678382). Relevant functional assessments of this variant are not available in the literature. S1434L has been observed in referenced population frequency databases. In summary, there is insufficient evidence to classify NM_003494.3(DYSF):c.4301C>T(S1434L) as pathogenic or benign. Please note: this variant was assessed in the context of healthy population screening.

Ambry Genetics
Classification: Uncertain significance for Inborn genetic diseases. Last evaluated: 2025-06-03. Review status: criteria provided, single submitter. Criteria: Ambry Variant Classification Scheme 2023. Collection method: clinical testing. Allele origin: germline.

Blueprint Genetics
Classification: Uncertain significance. Last evaluated: 2024-03-18. Review status: criteria provided, single submitter. Criteria: ACMG Guidelines, 2015. Collection method: clinical testing. Allele origin: germline.

Revvity Omics, Revvity
Classification: Uncertain significance. Last evaluated: 2023-11-14. Review status: criteria provided, single submitter. Criteria: ACMG Guidelines, 2015. Collection method: clinical testing. Allele origin: germline.

Eurofins Ntd Llc (ga)
Classification: Uncertain significance. Last evaluated: 2017-03-07. Review status: criteria provided, single submitter. Criteria: EGL Classification Definitions 2015. Collection method: clinical testing. Allele origin: germline. Observed: 2 variant alleles, 2 heterozygotes.

PreventionGenetics, part of Exact Sciences
Classification: Likely benign for DYSF-related condition. Last evaluated: 2022-06-23. Review status: no assertion criteria provided. Collection method: clinical testing. Allele origin: germline. Not counted in ClinVar's aggregate classification.
Comment: This variant is classified as likely benign based on ACMG/AMP sequence variant interpretation guidelines (Richards et al. 2015 PMID: 25741868, with internal and published modifications).

Natera, Inc.
Classification: Likely benign for Limb-girdle muscular dystrophy type 2B. Last evaluated: 2019-10-28. Review status: no assertion criteria provided. Collection method: clinical testing. Allele origin: germline. Not counted in ClinVar's aggregate classification.

Literature cited by the submitters: PubMed 39678382 (cited by Myriad Genetics, Inc.).